The following is an entry in ClinVar:

ClinVar aggregate classification (germline): Uncertain significance (1 of 4 stars; one submission).

gnomAD v4.1: 2 of 1,614,076 alleles (0.00012%); highest among the groups gnomAD compares: Middle Eastern, 0.016%; no homozygotes.

Submission:

Quest Diagnostics Nichols Institute San Juan Capistrano
Classification: Uncertain significance. Last evaluated: 2025-10-14. Review status: criteria provided, single submitter. Criteria: Quest Diagnostics criteria. Collection method: clinical testing. Allele origin: unknown.
Comment: The VWF c.249C>A (p.Ser83Arg) variant, to the best of our knowledge, has not been reported in the published literature. This variant also has not been reported in large, multi-ethnic general populations (Genome Aggregation Database). Analysis of this variant using bioinformatics tools for the prediction of the effect of amino acid changes on protein structure and function yielded conflicting predictions that this variant is benign or damaging. Based on the available information, we are unable to determine the clinical significance of this variant.

NM_000552.5(VWF):c.249C>A (p.Ser83Arg)

Gene: VWF (von Willebrand factor; minus strand). Cytogenetic location: 12p13.31.
Variant type: single nucleotide variant.
Coding change: c.249C>A on transcript NM_000552.5 (MANE Select); coding-DNA position 249, C replaced by A.
Protein change: p.Ser83Arg; replaces serine 83 with arginine.
Molecular consequence: missense variant.
Genome position (GRCh38, 1-based): chr12:6,110,940, G>T on the plus strand (C>A on the coding strand, the complement: VWF is on the minus strand). VCF-style: chr12-6110940-G-T. GRCh37 (hg19) VCF-style: chr12-6220106-G-T.
Other names: short protein forms S83R.
Identifiers: ClinVar variation 4533001 (VCV004533001.1).